The following is an entry in ClinVar:

NM_000170.3(GLDC):c.2509G>T (p.Ala837Ser)

Gene: GLDC (glycine decarboxylase; minus strand). Cytogenetic location: 9p24.1.
Variant type: single nucleotide variant.
Coding change: c.2509G>T on transcript NM_000170.3 (MANE Select); coding-DNA position 2509, G replaced by T.
Protein change: p.Ala837Ser; replaces alanine 837 with serine.
Molecular consequence: missense variant.
Genome position (GRCh38, 1-based): chr9:6,550,863, C>A on the plus strand (G>T on the coding strand, the complement: GLDC is on the minus strand). VCF-style: chr9-6550863-C-A. GRCh37 (hg19) VCF-style: chr9-6550863-C-A.
Other names: short protein forms A837S.
Identifiers: ClinVar variation 1716894 (VCV001716894.6), dbSNP rs2489028388, ClinGen allele CA372876185.

ClinVar aggregate classification (germline): Uncertain significance (1 of 4 stars; one submission).

Conditions:
Glycine encephalopathy. Also called: Non-ketotic hyperglycinemia; Nonketotic hyperglycinemia. Identifiers: Orphanet 407, MedGen C0751748, MONDO:0011612, HP:0008288.

Submission:

Labcorp Genetics (formerly Invitae), Labcorp
Classification: Uncertain significance for Glycine encephalopathy. Last evaluated: 2022-08-19. Review status: criteria provided, single submitter. Criteria: Invitae Variant Classification Sherloc (09022015). Collection method: clinical testing. Allele origin: germline.
Comment: In summary, the available evidence is currently insufficient to determine the role of this variant in disease. Therefore, it has been classified as a Variant of Uncertain Significance. Advanced modeling of protein sequence and biophysical properties (such as structural, functional, and spatial information, amino acid conservation, physicochemical variation, residue mobility, and thermodynamic stability) performed at Invitae indicates that this missense variant is expected to disrupt GLDC protein function. This variant has not been reported in the literature in individuals affected with GLDC-related conditions. This variant is not present in population databases (gnomAD no frequency). This sequence change replaces alanine, which is neutral and non-polar, with serine, which is neutral and polar, at codon 837 of the GLDC protein (p.Ala837Ser).